The following is an entry in ClinVar:

NM_006904.7(PRKDC):c.7750T>C (p.Cys2584Arg)

Gene: PRKDC (protein kinase, DNA-activated, catalytic subunit; minus strand). Cytogenetic location: 8q11.21.
Variant type: single nucleotide variant.
Coding change: c.7750T>C on transcript NM_006904.7 (MANE Select); coding-DNA position 7750, T replaced by C.
Protein change: p.Cys2584Arg; replaces cysteine 2584 with arginine.
Molecular consequence: missense variant.
Genome position (GRCh38, 1-based): chr8:47,837,223, A>G on the plus strand (T>C on the coding strand, the complement: PRKDC is on the minus strand). VCF-style: chr8-47837223-A-G. GRCh37 (hg19) VCF-style: chr8-48749784-A-G.
Other names: c.7750T>C, p.Cys2584Arg (NM_001081640.2); short protein forms C2584R.
Identifiers: ClinVar variation 475237 (VCV000475237.5), dbSNP rs746648336, ClinGen allele CA4740043.

ClinVar aggregate classification (germline): Uncertain significance (1 of 4 stars; one submission).

Conditions:
Severe combined immunodeficiency due to DNA-PKcs deficiency. Also called: IMMUNODEFICIENCY 26 WITH NEUROLOGIC ABNORMALITIES; Immunodeficiency 26 with or without neurologic abnormalities. Identifiers: Orphanet 317425, MedGen C4014833, MONDO:0014423, OMIM 615966.

Allele frequency attached by ClinVar (database versions not stated): gnomAD exomes 0.00003; ExAC 0.00004; TOPMed 0.00005; gnomAD 0.00007 and 0.00008.
gnomAD v4.1: 76 of 1,613,194 alleles (0.0047%); highest among the groups gnomAD compares: Non-Finnish European, 0.0059%; no homozygotes.

Submission:

Labcorp Genetics (formerly Invitae), Labcorp
Classification: Uncertain significance for Severe combined immunodeficiency due to DNA-PKcs deficiency. Last evaluated: 2022-08-13. Review status: criteria provided, single submitter. Criteria: Invitae Variant Classification Sherloc (09022015). Collection method: clinical testing. Allele origin: germline.
Comment: This sequence change replaces cysteine, which is neutral and slightly polar, with arginine, which is basic and polar, at codon 2584 of the PRKDC protein (p.Cys2584Arg). This variant is present in population databases (rs746648336, gnomAD 0.007%). This variant has not been reported in the literature in individuals affected with PRKDC-related conditions. ClinVar contains an entry for this variant (Variation ID: 475237). In summary, the available evidence is currently insufficient to determine the role of this variant in disease. Therefore, it has been classified as a Variant of Uncertain Significance.